The following is an entry in ClinVar:

NM_022464.5(SIL1):c.1031T>C (p.Met344Thr)

Gene: SIL1 (SIL1 nucleotide exchange factor; minus strand). Cytogenetic location: 5q31.2.
Variant type: single nucleotide variant.
Coding change: c.1031T>C on transcript NM_022464.5 (MANE Select); coding-DNA position 1031, T replaced by C.
Protein change: p.Met344Thr; replaces methionine 344 with threonine.
Molecular consequence: missense variant.
Genome position (GRCh38, 1-based): chr5:138,947,472, A>G on the plus strand (T>C on the coding strand, the complement: SIL1 is on the minus strand). VCF-style: chr5-138947472-A-G. GRCh37 (hg19) VCF-style: chr5-138283161-A-G.
Other names: c.1031T>C, p.Met344Thr (NM_001037633.2); c.1031T>C (NM_022464.4); short protein forms M344T.
Identifiers: ClinVar variation 1488958 (VCV001488958.9), dbSNP rs777267662, ClinGen allele CA3432380.

ClinVar aggregate classification (germline): Uncertain significance. Review status: criteria provided, multiple submitters, no conflicts (2 of 4 stars). 3 submissions from 3 submitters: Uncertain significance (3). Last evaluated 2022-12-02.

Conditions:
Marinesco-Sjögren syndrome (MSS). Also called: Marinesco-SjÃ¶gren syndrome; Marinesco-Sjogren Syndrome. Identifiers: Orphanet 559, MedGen C0024814, MONDO:0009567, OMIM 248800.
Inborn genetic diseases. Identifiers: MedGen C0950123, MeSH D030342.

Allele frequency attached by ClinVar (database versions not stated): gnomAD exomes 0.00002; ExAC 0.00003; gnomAD 0.00009; TOPMed 0.00014.
gnomAD v4.1: 26 of 1,613,054 alleles (0.0016%); highest among the groups gnomAD compares: Admixed American, 0.032%; no homozygotes.

Submissions (3):

Labcorp Genetics (formerly Invitae), Labcorp
Classification: Uncertain significance for Marinesco-Sjögren syndrome. Last evaluated: 2022-12-02. Review status: criteria provided, single submitter. Criteria: Invitae Variant Classification Sherloc (09022015). Collection method: clinical testing. Allele origin: germline.
Comment: This sequence change replaces methionine, which is neutral and non-polar, with threonine, which is neutral and polar, at codon 344 of the SIL1 protein (p.Met344Thr). This variant is present in population databases (rs777267662, gnomAD 0.02%). This variant has not been reported in the literature in individuals affected with SIL1-related conditions. ClinVar contains an entry for this variant (Variation ID: 1488958). Algorithms developed to predict the effect of missense changes on protein structure and function (SIFT, PolyPhen-2, Align-GVGD) all suggest that this variant is likely to be tolerated. In summary, the available evidence is currently insufficient to determine the role of this variant in disease. Therefore, it has been classified as a Variant of Uncertain Significance.

Ambry Genetics
Classification: Uncertain significance for Inborn genetic diseases. Last evaluated: 2021-06-22. Review status: criteria provided, single submitter. Criteria: Ambry Variant Classification Scheme 2023. Collection method: clinical testing. Allele origin: germline.

Revvity Omics, Revvity
Classification: Uncertain significance for Marinesco-Sjögren syndrome. Last evaluated: 2020-03-16. Review status: criteria provided, single submitter. Criteria: ACMG Guidelines, 2015. Collection method: clinical testing. Allele origin: germline.